The following is an entry in ClinVar:

NM_001083961.2(WDR62):c.1711_1712insTA (p.Asn571fs)

Gene: WDR62 (WD repeat domain 62; plus strand). Cytogenetic location: 19q13.12.
Variant type: Insertion.
Coding change: c.1711_1712insTA on transcript NM_001083961.2 (MANE Select); coding-DNA positions 1711 to 1712, TA inserted.
Protein change: p.Asn571fs; shifts the reading frame from asparagine 571.
Molecular consequence: frameshift variant.
Genome position: GRCh38 VCF-style: chr19-36086754-C-CAT. GRCh37 (hg19) VCF-style: chr19-36577656-C-CAT.
Other names: c.1696_1697insTA, p.Asn566fs (NM_001411145.1); c.1711_1712insTA, p.Asn571fs (NM_001411146.1, NM_173636.5); c.1360_1361insTA, p.Asn454fs (NM_001411147.1); short protein forms N454fs, N566fs, N571fs.
Identifiers: ClinVar variation 3343941 (VCV003343941.1).

ClinVar aggregate classification (germline): Pathogenic (1 of 4 stars; one submission).

Submission:

GeneDx
Classification: Pathogenic. Last evaluated: 2024-01-18. Review status: criteria provided, single submitter. Criteria: GeneDx Variant Classification Process June 2021. Collection method: clinical testing. Allele origin: germline. Affected: yes.
Comment: Frameshift variant predicted to result in protein truncation or nonsense mediated decay in a gene for which loss-of-function is a known mechanism of disease; Not observed at significant frequency in large population cohorts (gnomAD); This variant is associated with the following publications: (PMID: 33921653)